The following is an entry in ClinVar:

ClinVar aggregate classification (germline): Conflicting classifications of pathogenicity. Review status: criteria provided, conflicting classifications (1 of 4 stars). 9 submissions from 9 submitters: Pathogenic (1); Likely pathogenic (5); Uncertain significance (3). Last evaluated 2025-12-05.

Conditions:
Polycystic kidney disease 4 (PKD4). Also called: PKD3; POLYCYSTIC KIDNEY DISEASE 4 WITH OR WITHOUT POLYCYSTIC LIVER DISEASE; Autosomal Recessive Polycystic Kidney Disease – PKHD1; POLYCYSTIC KIDNEY AND HEPATIC DISEASE 1; POLYCYSTIC KIDNEY DISEASE, INFANTILE, TYPE I. Identifiers: MedGen C4540575, MONDO:0033004, OMIM 263200.
PKHD1-related disorder. Also called: PKHD1-related condition.
Autosomal recessive polycystic kidney disease (ARPKD). Also called: AR polycystic kidney disease. Identifiers: Orphanet 731, Orphanet 8378, MedGen C0085548, MeSH D017044, MONDO:0009889.

Allele frequency attached by ClinVar (database versions not stated): ESP Exome Variant Server 0.00008; ExAC 0.00001.
gnomAD v4.1: 28 of 1,613,858 alleles (0.0017%); highest among the groups gnomAD compares: Non-Finnish European, 0.0023%; no homozygotes.

Submissions (9):

PreventionGenetics, part of Exact Sciences
Classification: Likely pathogenic for PKHD1-related condition. Last evaluated: 2025-12-05. Review status: criteria provided, single submitter. Criteria: ACMG Guidelines, 2015. Collection method: clinical testing. Allele origin: germline.
Comment: The PKHD1 c.9719G>T variant is predicted to result in the amino acid substitution p.Arg3240Leu. This variant has been reported along with a second PKHD1 variant in a prenatal case of autosomal recessive polycystic kidney disease (ARPKD) (Sharp et al. 2005. PubMed ID: 15805161). Internally, we have observed this variant in the compound heterozygous state with a second PKHD1 variant in two families with individuals affected with ARPKD. An alternate substitution impacting the same amino acid (p.Arg3240Gln) has also been reported in patients with ARPKD (e.g., Bergmann et al. 2005. PubMed ID: 15698423; ClinVar Variation ID: 572902). This variant is reported in 0.00088% of alleles in individuals of European (Non-Finnish) descent in gnomAD. Taken together, this variant is interpreted as likely pathogenic.

Natera, Inc.
Classification: Likely pathogenic for Autosomal recessive polycystic kidney disease. Last evaluated: 2025-08-25. Review status: criteria provided, single submitter. Criteria: Natera Variant Classification Schema (03/2026). Collection method: clinical testing. Allele origin: germline.
Comment: The c.9719G>T variant in PKHD1 is a missense variant predicted to cause substitution of arginine to leucine at amino acid 3240. This variant is rare in the general population with a frequency below the threshold expected for the associated phenotype(s). This variant has been observed in one or more individuals affected with the associated recessive disease, as either homozygous or compound heterozygous with a second variant (PMID: 15805161). A different variant at the same position has been determined to be Pathogenic or Likely Pathogenic. Computational prediction algorithms indicate this variant is likely to affect gene or protein function. Given the available evidence, this variant is classified as Likely Pathogenic.

Women's Health and Genetics/Laboratory Corporation of America, LabCorp
Classification: Uncertain significance. Last evaluated: 2025-07-01. Review status: criteria provided, single submitter. Criteria: LabCorp Variant Classification Summary - May 2015. Collection method: clinical testing. Allele origin: germline.
Comment: Variant summary: PKHD1 c.9719G>T (p.Arg3240Leu) results in a non-conservative amino acid change in the encoded protein sequence. Algorithms developed to predict the effect of missense changes on protein structure and function all suggest that this variant is likely to be disruptive. The variant allele was found at a frequency of 4e-06 in 251440 control chromosomes. c.9719G>T has been observed in at least one compound heterozygous fetus with a confirmed diagnosis of autosomal recessive polycystic kidney disease (example: Sharp_2005). These data do not allow any conclusion about variant significance. To our knowledge, no experimental evidence demonstrating an impact on protein function has been reported. Additionally, at least one missense variant at the Arg3240 residue has been reported as likely pathogenic/pathogenic in ClinVar (c.9719G>A/p.Arg3240Gln), suggesting this codon could be critical for normal function of the protein. The following publication has been ascertained in the context of this evaluation (PMID: 15805161). ClinVar contains an entry for this variant (Variation ID: 167478). Based on the evidence outlined above, the variant was classified as VUS-possibly pathogenic.

GeneDx
Classification: Likely pathogenic. Last evaluated: 2024-08-05. Review status: criteria provided, single submitter. Criteria: GeneDx Variant Classification Process June 2021. Collection method: clinical testing. Allele origin: germline. Affected: yes.
Comment: Not observed at significant frequency in large population cohorts (gnomAD); In silico analysis supports that this missense variant has a deleterious effect on protein structure/function; This variant is associated with the following publications: (PMID: 9511976, 38300123, 38839463, 15805161, 15698423, 24162162)

Fulgent Genetics
Classification: Likely pathogenic for Polycystic kidney disease 4. Last evaluated: 2024-05-01. Review status: criteria provided, single submitter. Criteria: ACMG Guidelines, 2015. Collection method: clinical testing. Allele origin: germline.

Labcorp Genetics (formerly Invitae), Labcorp
Classification: Pathogenic for Autosomal recessive polycystic kidney disease. Last evaluated: 2023-09-08. Review status: criteria provided, single submitter. Criteria: Invitae Variant Classification Sherloc (09022015). Collection method: clinical testing. Allele origin: germline.
Comment: This sequence change replaces arginine, which is basic and polar, with leucine, which is neutral and non-polar, at codon 3240 of the PKHD1 protein (p.Arg3240Leu). This variant is present in population databases (rs146649803, gnomAD 0.0009%). This missense change has been observed in individual(s) with polycystic kidney disease (PMID: 15805161). In at least one individual the data is consistent with being in trans (on the opposite chromosome) from a pathogenic variant. ClinVar contains an entry for this variant (Variation ID: 167478). Advanced modeling of protein sequence and biophysical properties (such as structural, functional, and spatial information, amino acid conservation, physicochemical variation, residue mobility, and thermodynamic stability) performed at Invitae indicates that this missense variant is expected to disrupt PKHD1 protein function. This variant disrupts the p.Arg3240 amino acid residue in PKHD1. Other variant(s) that disrupt this residue have been determined to be pathogenic (PMID: 15698423, 19914852, 20413436, 24162162). This suggests that this residue is clinically significant, and that variants that disrupt this residue are likely to be disease-causing. For these reasons, this variant has been classified as Pathogenic.

Victorian Clinical Genetics Services, Murdoch Childrens Research Institute
Classification: Likely pathogenic for Polycystic kidney disease 4. Last evaluated: 2023-07-16. Review status: criteria provided, single submitter. Criteria: ACMG Guidelines, 2015. Collection method: clinical testing. Allele origin: germline. Inheritance: Autosomal recessive inheritance. Affected: yes.
Comment: Based on the classification scheme VCGS_Germline_v1.3.4, this variant is classified as Likely pathogenic. Following criteria are met: 0102 - Loss of function is a known mechanism of disease in this gene and is associated with polycystic kidney disease 4, with or without hepatic disease (MIM#263200). (I) 0106 - This gene is associated with autosomal recessive disease, however there are emerging reports of heterozygous carriers of PKHD1 variants developing liver cysts and nephrocalcinosis (PMID: 21945273). (I) 0115 - Variants in this gene are known to have variable expressivity. Significant intra-familial variability has been reported (PMID: 20301501). (I) 0200 - Variant is predicted to result in a missense amino acid change from arginine to leucine. (I) 0251 - This variant is heterozygous. (I) 0304 - Variant is present in gnomAD (v3) <0.01 (2 heterozygotes, 0 homozygotes). (SP) 0309 - An alternative amino acid change at the same position has been observed in gnomAD (v3) (3 heterozygotes, 0 homozygotes). (I) 0501 - Missense variant consistently predicted to be damaging by multiple in silico tools or highly conserved with a major amino acid change. (SP) 0604 - Variant is not located in an established domain, motif, hotspot or informative constraint region. (I) 0703 - Another missense variant comparable to the one identified in this case has moderate previous evidence for pathogenicity. p.(Arg3240Gln) has been classified as likely pathogenic or pathogenic by several clinical laboratories in ClinVar. (SP) 0802 - This variant has moderate previous evidence of pathogenicity in unrelated individuals. This variant has been classified as likely pathogenic and as a VUS by clinical laboratories in ClinVar, and has also been observed in a fetus with ARPKD who also had another missense variant (PMID: 15805161). (SP) 0905 - No published segregation evidence has been identified for this variant. (I) 1007 - No published functional evidence has been identified for this variant. (I) 1208 - Inheritance information for this variant is not currently available in this individual. (I) Legend: (SP) - Supporting pathogenic, (I) - Information, (SB) - Supporting benign

Department of Pathology and Laboratory Medicine, Sinai Health System
Classification: Uncertain significance for Polycystic kidney disease 4. Last evaluated: 2020-03-17. Review status: criteria provided, single submitter. Criteria: ACMG Guidelines, 2015. Collection method: clinical testing. Allele origin: germline. Affected: yes.

Eurofins Ntd Llc (ga)
Classification: Uncertain significance. Last evaluated: 2014-03-11. Review status: criteria provided, single submitter. Criteria: EGL Classification Definitions 2015. Collection method: clinical testing. Allele origin: germline. Observed: 1 variant allele, 1 heterozygote.

Literature cited by the submitters: PubMed 15805161 (cited by 5 submitters); PubMed 15698423 (cited by Labcorp Genetics (formerly Invitae), Labcorp); PubMed 19914852 (cited by Labcorp Genetics (formerly Invitae), Labcorp); PubMed 20413436 (cited by Labcorp Genetics (formerly Invitae), Labcorp); PubMed 24162162 (cited by Labcorp Genetics (formerly Invitae), Labcorp); PubMed 20301501 (cited by Victorian Clinical Genetics Services, Murdoch Childrens Research Institute); PubMed 21945273 (cited by Victorian Clinical Genetics Services, Murdoch Childrens Research Institute).

NM_138694.4(PKHD1):c.9719G>T (p.Arg3240Leu)

Gene: PKHD1 (PKHD1 ciliary IPT domain containing fibrocystin/polyductin; minus strand). Cytogenetic location: 6p12.3.
Variant type: single nucleotide variant.
Coding change: c.9719G>T on transcript NM_138694.4 (MANE Select); coding-DNA position 9719, G replaced by T.
Protein change: p.Arg3240Leu; replaces arginine 3240 with leucine.
Molecular consequence: missense variant.
Genome position (GRCh38, 1-based): chr6:51,747,897, C>A on the plus strand (G>T on the coding strand, the complement: PKHD1 is on the minus strand). VCF-style: chr6-51747897-C-A. GRCh37 (hg19) VCF-style: chr6-51612695-C-A.
Other names: c.9719G>T, p.Arg3240Leu (NM_170724.3); short protein forms R3240L.
Identifiers: ClinVar variation 167478 (VCV000167478.24), dbSNP rs146649803, ClinGen allele CA234565.
Genomic context (GRCh38, chr6:51,747,897, plus strand): 5'-CATGGCTCCTGAGGCCACTGATTTGGTTCTGAGGTGAATACAGGCCACAGAATACCAATT[C>A]GACCTCCTCTTGGATTGGAGGGAGCTCTATCTGTTGATGTCAAGTTGGCTGAGTGCGGCT-3'
Protein context (NP_619639.3, residues 3230-3250): DRAPSNPRGG[Arg3240Leu]IGILWPVFTS